The following is an entry in ClinVar:

ClinVar aggregate classification (germline): Uncertain significance (1 of 4 stars; one submission).

Conditions:
Baller-Gerold syndrome (BGS). Also called: CRANIOSYNOSTOSIS WITH RADIAL DEFECTS. Identifiers: Orphanet 1225, MedGen C0265308, MONDO:0009039, OMIM 218600.

Submission:

Labcorp Genetics (formerly Invitae), Labcorp
Classification: Uncertain significance for Baller-Gerold syndrome. Last evaluated: 2025-01-02. Review status: criteria provided, single submitter. Criteria: Invitae Variant Classification Sherloc (09022015). Collection method: clinical testing. Allele origin: germline.
Comment: This sequence change replaces aspartic acid, which is acidic and polar, with tyrosine, which is neutral and polar, at codon 701 of the RECQL4 protein (p.Asp701Tyr). This variant is not present in population databases (gnomAD no frequency). This variant has not been reported in the literature in individuals affected with RECQL4-related conditions. Invitae Evidence Modeling of protein sequence and biophysical properties (such as structural, functional, and spatial information, amino acid conservation, physicochemical variation, residue mobility, and thermodynamic stability) indicates that this missense variant is not expected to disrupt RECQL4 protein function with a negative predictive value of 80%. Algorithms developed to predict the effect of sequence changes on RNA splicing suggest that this variant may disrupt the consensus splice site. In summary, the available evidence is currently insufficient to determine the role of this variant in disease. Therefore, it has been classified as a Variant of Uncertain Significance.

NM_004260.4(RECQL4):c.2101G>T (p.Asp701Tyr)

Gene: RECQL4 (RecQ like helicase 4; minus strand). Cytogenetic location: 8q24.3.
Variant type: single nucleotide variant.
Coding change: c.2101G>T on transcript NM_004260.4 (MANE Select); coding-DNA position 2101, G replaced by T.
Protein change: p.Asp701Tyr; replaces aspartic acid 701 with tyrosine.
Molecular consequence: missense variant. On other transcripts: non-coding transcript variant (2).
Genome position (GRCh38, 1-based): chr8:144,513,670, C>A on the plus strand (G>T on the coding strand, the complement: RECQL4 is on the minus strand). VCF-style: chr8-144513670-C-A. GRCh37 (hg19) VCF-style: chr8-145739054-C-A.
Other names: c.964G>T, p.Asp322Tyr (NM_001413027.1, NM_001413030.1, NM_001413032.1 and 1 more transcripts); c.1030G>T, p.Asp344Tyr (NM_001413028.1, NM_001413034.1, NM_001413035.1 and 6 more transcripts); c.1969G>T, p.Asp657Tyr (NM_001413033.1); c.1750G>T, p.Asp584Tyr (NM_001413029.1); c.832G>T, p.Asp278Tyr (NM_001413031.1); c.2101G>T, p.Asp701Tyr (NM_001413036.1, NM_001413018.1, NM_001413019.1); c.898G>T, p.Asp300Tyr (NM_001413037.1); c.2071G>T, p.Asp691Tyr (NM_001413039.1); and 4 more; short protein forms D657Y, D658Y, D322Y, D344Y, D669Y, D701Y, D300Y, D334Y.
Identifiers: ClinVar variation 3698277 (VCV003698277.2).
Genomic context (GRCh38, chr8:144,513,670, plus strand): 5'-GGAGGAGCGCAGCGATCCGCTCTGTGTCCTCGCGCCGGTTGCAGTAAATGATAATGGAAT[C>A]GAGGTTTTGAAAACGTTTGCCTTGCAGCAGCGTCAACAGTGCCTGATGAGGAGCGGTTGG-3'
Protein context (NP_004251.4, residues 691-711): LLQGKRFQNL[Asp701Tyr]SIIIYCNRRE